The following is an entry in ClinVar:

NM_002524.5(NRAS):c.35G>A (p.Gly12Asp)

Gene: NRAS (NRAS proto-oncogene, GTPase; minus strand). Cytogenetic location: 1p13.2.
Variant type: single nucleotide variant.
Coding change: c.35G>A on transcript NM_002524.5 (MANE Select); coding-DNA position 35, G replaced by A.
Protein change: p.Gly12Asp; replaces glycine 12 with aspartic acid.
Molecular consequence: missense variant.
Genome position (GRCh38, 1-based): chr1:114,716,126, C>T on the plus strand (G>A on the coding strand, the complement: NRAS is on the minus strand). VCF-style: chr1-114716126-C-T. GRCh37 (hg19) VCF-style: chr1-115258747-C-T.
Other names: p.G12D:GGT>GAT; c.35G>A (LRG_92t1); short protein forms G12D.
Identifiers: ClinVar variation 39648 (VCV000039648.36), dbSNP rs121913237, ClinGen allele CA130425.

ClinVar aggregate classification (germline): Pathogenic/Likely pathogenic. Review status: criteria provided, multiple submitters, no conflicts (2 of 4 stars). 18 submissions from 17 submitters: Pathogenic (13); Likely pathogenic (3). 2 of the submissions do not count toward it. Last evaluated 2026-08-03.
ClinVar aggregate classification (somatic clinical impact): Tier I - Strong (1 of 4 stars; one submission).
ClinVar aggregate classification (oncogenicity): Oncogenic. Review status: criteria provided, multiple submitters, no conflicts (2 of 4 stars). 2 submissions from 2 submitters. Last evaluated 2026-10-16.

Conditions:
Noonan syndrome and Noonan-related syndrome. Identifiers: Orphanet 98733, MedGen C5681679, MONDO:0020297.
NRAS-related disorder. Also called: NRAS-related condition.
Cardiovascular phenotype. Identifiers: MedGen CN230736.
Large congenital melanocytic nevus (CMNS). Also called: MELANOCYTIC NEVUS SYNDROME, CONGENITAL, SOMATIC; Giant hairy nevus; Bathing trunk nevus; Congenital giant pigmented nevus; PIGMENTED MOLES; Giant congenital nevus. Identifiers: Orphanet 626, MedGen C1842036, MONDO:0044792, OMIM 137550, HP:0005600.
Colorectal cancer. Also called: Colorectal cancer, somatic; Malignant Colorectal Neoplasm. Identifiers: MedGen C0346629, MONDO:0005575, OMIM 114500.
RASopathy. Also called: Noonan spectrum disorder; rasopathies. Identifiers: Orphanet 536391, MedGen C5555857, MONDO:0021060.
Epidermal nevus. Also called: Nevus, epidermal, somatic; NEVUS, KERATINOCYTIC, NONEPIDERMOLYTIC. Identifiers: Orphanet 79414, MedGen C0334082, MONDO:0008093, OMIM 162900, HP:0010816.
Autoimmune lymphoproliferative syndrome type 4. Also called: AUTOIMMUNE LYMPHOPROLIFERATIVE SYNDROME, TYPE IV; RAS-associated autoimmune leukoproliferative disorder. Identifiers: Orphanet 268114, MedGen C2674723, MONDO:0013767, OMIM 614470.
Noonan syndrome 6 (NS6). Also called: NRAS-Related Noonan Syndrome. Identifiers: Orphanet 648, MedGen C2750732, MONDO:0013186, OMIM 613224.
Juvenile myelomonocytic leukemia (JMML). Also called: LEUKEMIA, JUVENILE MYELOMONOCYTIC, SOMATIC. Identifiers: Orphanet 86834, MedGen C0349639, MONDO:0011908, OMIM 607785, HP:0012209.
Germinoma. Also called: Germinoma (disease). Identifiers: MedGen C0206660, MONDO:0002598, HP:0100620.
Neoplasm. Also called: tumor; Neoplasms; Neoplasm (disease). Identifiers: MedGen C0027651, MeSH D009369, MONDO:0005070, HP:0002664.
Acute myeloid leukemia (AML). Also called: Acute myeloid leukemia, adult; AML adult; Acute non-lymphocytic leukemia; Acute granulocytic leukemia; Leukemia, acute myeloid, somatic; Leukemia, acute myelogenous, somatic. Identifiers: Orphanet 519, MedGen C0023467, MeSH D015470, MONDO:0018874, OMIM 601626, HP:0004808. Disease mechanism: Constitutively activated FLT3.

Allele frequency attached by ClinVar (database versions not stated): ExAC 0.00001; gnomAD 0.00001; gnomAD exomes 0.00001; TOPMed 0.00002; ESP Exome Variant Server 0.00008.

Submissions 1 to 5 of 21:

Center for Virology of Infectious and Tropical Diseases (CVMIT), Mohammed V Military Teaching Hospital
Classification: Oncogenic for Acute myeloid leukemia. Last evaluated: 2026-10-16. Review status: criteria provided, single submitter. Criteria: ClinGen/CGC/VICC Guidelines for Oncogenicity, 2022. Collection method: research. Allele origin: somatic. Affected: yes. Observed: 1 variant allele.
Comment: NRAS p.Gly12Asp. Oncogenicity classified with the ClinGen/CGC/VICC SOP (Horak et al. 2022, PMID:35101336). Criteria applied: OS2: Nras G12D expressed from the endogenous locus induces myeloproliferation and AML in mice (PMID:21163920); OS3: NRAS G12 hotspot (74 tumours; G12D in 41); concordant in silico predictions (CADD 29.2, AlphaMissense likely pathogenic 0.9987, SIFT deleterious) (OP1); present in gnomAD v4 only at very low allele frequency (AF 1.1e-5), compatible with clonal hematopoiesis in controls (OP4). Total 10 points (Oncogenic). ClinVar at analysis (release 2022-07-09, used by Ion Reporter): Variation ID 39648, Pathogenic/Likely pathogenic. Current record: ClinVar VCV000039648.35 (consulted 2026-10-29): germline classification Pathogenic/Likely pathogenic; somatic oncogenicity Oncogenic; somatic clinical impact Tier I - Strong.

Genelabs Medical  (pvt) Ltd
Classification: Pathogenic for Noonan syndrome 6. Last evaluated: 2026-08-03. Review status: criteria provided, single submitter. Criteria: ACMG Guidelines, 2015. Collection method: clinical testing. Allele origin: germline. Affected: yes. Observed: 1 heterozygote.
Comment: The missense variant NM_002524.5(NRAS):c.35G>A (p.Gly12Asp) is rare in population databases, observed in 15/1,179,834 alleles (allele frequency 0.0000127) in gnomAD. This nucleotide substitution results in a glycine-to-aspartic acid change at codon 12, a residue located within the highly conserved phosphate-binding loop (P-loop; amino acids 10–17) of NRAS, a critical functional domain required for GTP binding and hydrolysis. Structural and biochemical studies demonstrate that Gly12 is essential for intrinsic GTPase activity, and substitutions at this position impair GTP hydrolysis, leading to constitutive activation of NRAS signaling. Functional studies performed both in vitro and in vivo have shown that the p.Gly12Asp variant promotes oncogenesis and suppresses apoptosis, consistent with a gain-of-function effect (PMIDs: 33681212, 18372904, 21586752, 23687087). Clinically, this variant has been reported as a germline change in individuals with Noonan syndrome (PMID: 28594414) and as a recurrent somatic hotspot mutation across a wide spectrum of malignancies, including pediatric T-cell lymphoblastic lymphoma, juvenile myelomonocytic leukemia, acute myeloid leukemia, melanoma, thyroid cancer, and colorectal cancer (PMIDs: 26216196, 31413085, 17332249, 19657110, 2674680, 27264674, 27815357, 15517309, 14982869, 22753870, 26090869). Multiple alternative missense substitutions affecting the same residue (p.Gly12Ala, p.Gly12Val, p.Gly12Ser, p.Gly12Cys, p.Gly12Arg, and p.Gly12Phe) are classified as Pathogenic or Likely Pathogenic, further supporting the critical functional importance of codon 12. In silico predictions are also consistent with a deleterious effect, with a high REVEL score of 0.783, and NRAS shows intolerance to missense variation (Z = 2.24). Based on strong clinical evidence, well-established functional impact, hotspot localization within a critical domain, and supportive computational and population data, this variant is classified as Pathogenic. (PS4, PS3_Moderate, PM1, PM2_Supporting, PM5, PP2, PP3_Moderate)

Center for Genomic Medicine, Rigshospitalet, Copenhagen University Hospital
Classification: Oncogenic for Neoplasm. Last evaluated: 2025-12-29. Review status: criteria provided, single submitter. Criteria: ClinGen/CGC/VICC Guidelines for Oncogenicity, 2022. Collection method: clinical testing. Allele origin: somatic. Affected: yes.

Labcorp Genetics (formerly Invitae), Labcorp
Classification: Pathogenic for RASopathy. Last evaluated: 2025-12-16. Review status: criteria provided, single submitter. Criteria: Invitae Variant Classification Sherloc (09022015). Collection method: clinical testing. Allele origin: germline.
Comment: This sequence change replaces glycine, which is neutral and non-polar, with aspartic acid, which is acidic and polar, at codon 12 of the NRAS protein (p.Gly12Asp). The frequency data for this variant in the population databases is considered unreliable, as metrics indicate poor data quality at this position in the gnomAD database. This missense change has been observed in individual(s) with Noonan syndrome (PMID: 28594414). In at least one individual the variant was observed to be de novo. ClinVar contains an entry for this variant (Variation ID: 39648). Invitae Evidence Modeling of protein sequence and biophysical properties (such as structural, functional, and spatial information, amino acid conservation, physicochemical variation, residue mobility, and thermodynamic stability) indicates that this missense variant is expected to disrupt NRAS protein function with a positive predictive value of 95%. This variant disrupts the p.Gly12 amino acid residue in NRAS. Other variant(s) that disrupt this residue have been determined to be pathogenic (PMID: 28098151, 28594414). This suggests that this residue is clinically significant, and that variants that disrupt this residue are likely to be disease-causing. For these reasons, this variant has been classified as Pathogenic.

Clinical Genomics Laboratory, Washington University in St. Louis
Classification: Likely pathogenic for Large congenital melanocytic nevus. Last evaluated: 2025-06-16. Review status: criteria provided, single submitter. Criteria: Leon-Quintero et al. (Clin Genet. 2025). Collection method: clinical testing. Allele origin: somatic. Affected: yes.
Comment: An NRAS c.35G>A (p.Gly12Asp) variant was identified. This variant has been reported in several individuals with keratinocytic epidermal nevi, melanocytic nevi and RASopathy (Hafner C et al., PMID: 22499344; Wertheim-Tysarowska K et al., PMID: 34643354; Altmüller F et al., PMID: 28594414). It has also been reported in numerous cases in the cancer database COSMIC (Genomic mutation ID: COSV54736383). This variant has been reported in the ClinVar database as a likely pathogenic/pathogenic germline variant by several submitters (ClinVar Variation ID: 39648). The NRAS c.35G>A (p.Gly12Asp) variant is observed on 17/1,613,956 alleles in the general population (gnomAD v.4.1.0). The NRAS c.35G>A (p.Gly12Asp) variant resides within the P-loop domain, amino acids 10-17, of NRAS that is defined as a critical functional domain (Gelb BD et al. PMID: 29493581). Computational predictors indicate that the variant is damaging, evidence that correlates with impact to NRAS function. In support of this prediction, in vitro and in vivo functional studies demonstrated that the NRAS c.35G>A (p.Gly12Asp) variant increases downstream Ras signaling, with endogenous expression of this variant in hematopoietic cells in mice leading to hyperactivation of ERK1/2 (Li Q et al., PMID: 21163920; Wang J et al., PMID: 23687087; Wang J et al., PMID: 21586752). Other variants in the same codon, c.34G>T (p.Gly12Cys); c.34G>C (p.Gly12Arg); c.34G>A (p.Gly12Ser); c.35G>T (p.Gly12Val); c.35G>C (p.Gly12Ala); c.34_35delinsTT (p.Gly12Phe), have been reported and are considered pathogenic/likely pathogenic (Variation ID's: 40468, 40469, 177778, 40470, 219097, 3029607). Based on an internally developed protocol informed by the ACMG/AMP guidelines (Leon-Quintero FZ, et al., PMID: 39434542) and gene-specific practices from the ClinGen Criteria Specification Registry (Gelb BD et al., PMID: 29493581), the NRAS c.35G>A (p.Gly12Asp) variant is classified as likely pathogenic.